The following is an entry in ClinVar:

ClinVar aggregate classification (germline): Likely pathogenic (1 of 4 stars; one submission).

Conditions:
Isovaleryl-CoA dehydrogenase deficiency (IVA). Also called: Isovaleric acidemia; Classic Isovaleric Acidemia; ISOVALERIC ACID CoA DEHYDROGENASE DEFICIENCY; IVD DEFICIENCY. Identifiers: Orphanet 33, MedGen C0268575, MONDO:0009475, OMIM 243500.

Submission:

Labcorp Genetics (formerly Invitae), Labcorp
Classification: Likely pathogenic for Isovaleryl-CoA dehydrogenase deficiency. Last evaluated: 2021-06-30. Review status: criteria provided, single submitter. Criteria: Invitae Variant Classification Sherloc (09022015). Collection method: clinical testing. Allele origin: germline.
Comment: This sequence change affects a donor splice site in intron 6 of the IVD gene. It is expected to disrupt RNA splicing. Variants that disrupt the donor or acceptor splice site typically lead to a loss of protein function (PMID: 16199547), and loss-of-function variants in IVD are known to be pathogenic (PMID: 16602101). This variant is not present in population databases (ExAC no frequency). Disruption of this splice site has been observed in individual(s) with isovaleric acidemia (PMID: 26018748). Algorithms developed to predict the effect of sequence changes on RNA splicing suggest that this variant may disrupt the consensus splice site. In summary, the currently available evidence indicates that the variant is pathogenic, but additional data are needed to prove that conclusively. Therefore, this variant has been classified as Likely Pathogenic.

Literature cited by the submitters: PubMed 16199547; PubMed 16602101; PubMed 26018748.

NM_002225.5(IVD):c.687+2T>C

Gene: IVD (isovaleryl-CoA dehydrogenase; plus strand). Cytogenetic location: 15q15.1.
Variant type: single nucleotide variant.
Coding change: c.687+2T>C on transcript NM_002225.5 (MANE Select); the canonical splice donor site of the intron after coding-DNA position 687, T replaced by C.
Molecular consequence: splice donor variant.
Genome position (GRCh38, 1-based): chr15:40,411,693, T>C. VCF-style: chr15-40411693-T-C. GRCh37 (hg19) VCF-style: chr15-40703892-T-C.
Other names: c.597+2T>C (NM_001159508.3); c.774+2T>C (NM_001354600.3, NM_001354599.3); c.687+2T>C (NM_001354598.3, NM_001354601.3); c.639+2T>C (NM_001354597.3).
Identifiers: ClinVar variation 1520704 (VCV001520704.6), dbSNP rs2141332040, ClinGen allele CA391717991.